The following is an entry in ClinVar:

NM_001009999.3(KDM1A):c.176C>T (p.Thr59Ile)

Gene: KDM1A (lysine demethylase 1A; plus strand). Cytogenetic location: 1p36.12.
Variant type: single nucleotide variant.
Coding change: c.176C>T on transcript NM_001009999.3 (MANE Select); coding-DNA position 176, C replaced by T.
Protein change: p.Thr59Ile; replaces threonine 59 with isoleucine.
Molecular consequence: missense variant.
Genome position (GRCh38, 1-based): chr1:23,019,772, C>T. VCF-style: chr1-23019772-C-T. GRCh37 (hg19) VCF-style: chr1-23346265-C-T.
Other names: c.176C>T, p.Thr59Ile (NM_001363654.2, NM_001410762.1, NM_001410763.1 and 1 more transcripts); short protein forms T59I.
Identifiers: ClinVar variation 3863236 (VCV003863236.1).
Genomic context (GRCh38, chr1:23,019,772, plus strand): 5'-CGCAGCCCGCGGGCCTGTCGGGCCCAGCCGAGGTCGGGCCGGGGGCGGTGGGGGAGCGCA[C>T]ACCCCGCAAGAAAGAGCCTCCGCGGGCCTCGCCCCCCGGGGGCCTGGCGGAACCGCCGGG-3'
Protein context (NP_001009999.1, residues 49-69): EVGPGAVGER[Thr59Ile]PRKKEPPRAS

ClinVar aggregate classification (germline): Uncertain significance (1 of 4 stars; one submission).

Conditions:
Inborn genetic diseases. Identifiers: MedGen C0950123, MeSH D030342.

gnomAD v4.1: 2 of 1,362,398 alleles (0.00015%); highest among the groups gnomAD compares: African/African-American, 0.0015%; no homozygotes.

Submission:

Ambry Genetics
Classification: Uncertain significance for Inborn genetic diseases. Last evaluated: 2024-12-28. Review status: criteria provided, single submitter. Criteria: Ambry Variant Classification Scheme 2023. Collection method: clinical testing. Allele origin: germline.
Comment: The p.T59I variant (also known as c.176C>T), located in coding exon 1 of the KDM1A gene, results from a C to T substitution at nucleotide position 176. The threonine at codon 59 is replaced by isoleucine, an amino acid with similar properties. This amino acid position is conserved. In addition, this alteration is predicted to be tolerated by in silico analysis. Based on the available evidence, the clinical significance of this variant remains unclear.